The following is an entry in ClinVar:

NM_015338.6(ASXL1):c.1693G>C (p.Glu565Gln)

Gene: ASXL1 (ASXL transcriptional regulator 1; plus strand). Cytogenetic location: 20q11.21.
Variant type: single nucleotide variant.
Coding change: c.1693G>C on transcript NM_015338.6 (MANE Select); coding-DNA position 1693, G replaced by C.
Protein change: p.Glu565Gln; replaces glutamic acid 565 with glutamine.
Molecular consequence: missense variant.
Genome position (GRCh38, 1-based): chr20:32,433,891, G>C. VCF-style: chr20-32433891-G-C. GRCh37 (hg19) VCF-style: chr20-31021694-G-C.
Other names: c.1510G>C, p.Glu504Gln (NM_001363734.1); short protein forms E504Q, E565Q.
Identifiers: ClinVar variation 1699482 (VCV001699482.3), dbSNP rs2123271125, ClinGen allele CA408557676.
Genomic context (GRCh38, chr20:32,433,891, plus strand): 5'-CGTCAGTCCTTTCGTAACACAATTGAAAGTGTTCACACCGAAAAGCCACAGCCCACTAAA[G>C]AGGAGCCCAAAGTCCCGCCCATCCGGGTAGGAGACTGTTTGATTCCTGGCTGCCCTGGAG-3'
Protein context (NP_056153.2, residues 555-575): VHTEKPQPTK[Glu565Gln]EPKVPPIRIQ

ClinVar aggregate classification (germline): Uncertain significance (1 of 4 stars; one submission).

Conditions:
Bohring-Opitz syndrome. Also called: C-LIKE SYNDROME; BOHRING SYNDROME; OPITZ TRIGONOCEPHALY-LIKE SYNDROME; ASXL1-Related Bohring-Opitz Syndrome. Identifiers: Orphanet 97297, MedGen C0796232, MONDO:0011510, OMIM 605039.

Submission:

Victorian Clinical Genetics Services, Murdoch Childrens Research Institute
Classification: Uncertain significance for Bohring-Opitz syndrome. Last evaluated: 2022-06-24. Review status: criteria provided, single submitter. Criteria: ACMG Guidelines, 2015. Collection method: clinical testing. Allele origin: germline. Inheritance: Autosomal dominant inheritance. Affected: yes.
Comment: Based on the classification scheme VCGS_Germline_v1.3.4, this variant is classified as VUS-3B. Following criteria are met: 0102 - Loss of function is a known mechanism of disease in this gene and is associated with Bohring-Opitz syndrome (MIM#605039). (I) 0107 - This gene is associated with autosomal dominant disease. (I) 0200 - Variant is predicted to result in a missense amino acid change from glutamic acid to glutamine. (I) 0251 - This variant is heterozygous. (I) 0301 - Variant is absent from gnomAD (both v2 and v3). (SP) 0502 - Missense variant with conflicting in silico predictions and uninformative conservation. (I) 0604 - Variant is not located in an established domain, motif, hotspot or informative constraint region. (I) 0705 - No comparable missense variants have previous evidence for pathogenicity. (I) 0807 - This variant has no previous evidence of pathogenicity. (I) 0905 - No published segregation evidence has been identified for this variant. (I) 1007 - No published functional evidence has been identified for this variant. (I) 1208 - Inheritance information for this variant is not currently available in this individual. (I) Legend: (SP) - Supporting pathogenic, (I) - Information, (SB) - Supporting benign